The following is an entry in ClinVar:

ClinVar aggregate classification (germline): Uncertain significance (1 of 4 stars; one submission).

Conditions:
Cardiovascular phenotype. Identifiers: MedGen CN230736.

gnomAD v4.1: 1 of 1,614,104 alleles (0.000062%); highest among the groups gnomAD compares: Non-Finnish European, 0.000085%; no homozygotes.

Submission:

Ambry Genetics
Classification: Uncertain significance for Cardiovascular phenotype. Last evaluated: 2025-09-11. Review status: criteria provided, single submitter. Criteria: Ambry Variant Classification Scheme 2023. Collection method: clinical testing. Allele origin: germline.
Comment: The c.3096A>G variant (also known as p.E1032E), located in coding exon 27 of the ANK2 gene, results from an A to G substitution at nucleotide position 3096. This nucleotide substitution does not change the amino acid at codon 1032. This nucleotide position is well conserved in available vertebrate species. In silico splice site analysis predicts that this alteration will result in the creation or strengthening of a novel splice donor site. Based on the available evidence, the clinical significance of this variant remains unclear.

NM_001148.6(ANK2):c.3096A>G (p.Glu1032=)

Gene: ANK2 (ankyrin 2; plus strand). Cytogenetic location: 4q26.
Variant type: single nucleotide variant.
Coding change: c.3096A>G on transcript NM_001148.6 (MANE Select); coding-DNA position 3096, A replaced by G.
Protein change: p.Glu1032=; no amino-acid change (glutamic acid 1032 retained).
Molecular consequence: synonymous variant.
Genome position (GRCh38, 1-based): chr4:113,330,441, A>G. VCF-style: chr4-113330441-A-G. GRCh37 (hg19) VCF-style: chr4-114251597-A-G.
Other names: c.3069A>G, p.Glu1023= (NM_001127493.3); c.3108A>G, p.Glu1036= (NM_001354225.2); c.3096A>G, p.Glu1032= (NM_001354228.2, NM_001354258.2, NM_020977.5); c.3174A>G, p.Glu1058= (NM_001354230.2, NM_001354237.2); c.3138A>G, p.Glu1046= (NM_001354231.2, NM_001354242.2); c.3132A>G, p.Glu1044= (NM_001354232.2); c.3093A>G, p.Glu1031= (NM_001354235.2, NM_001354236.2, NM_001354246.2 and 1 more transcripts); c.3066A>G, p.Glu1022= (NM_001354239.2, NM_001354252.2, NM_001354272.2); and 23 more.
Identifiers: ClinVar variation 4096929 (VCV004096929.1).
Genomic context (GRCh38, chr4:113,330,441, plus strand): 5'-CAGACTGGCAACAATGCCTCCAATGGTGGAAGGAGAAGGCCTGGCCAGTCGCCTGATCGA[A>G]GTTGGACCTTCTGGTGCTCAGTTCCTTGGGTAAGGGTTTCTGATAAACCTCCCACTTAGT-3'
Protein context (NP_001139.3, residues 1022-1042): EGEGLASRLI[Glu1032=]VGPSGAQFLG